The following is an entry in ClinVar:

NM_003999.3(OSMR):c.2538T>A (p.Asn846Lys)

Gene: OSMR (oncostatin M receptor; plus strand). Cytogenetic location: 5p13.1.
Variant type: single nucleotide variant.
Coding change: c.2538T>A on transcript NM_003999.3 (MANE Select); coding-DNA position 2538, T replaced by A.
Protein change: p.Asn846Lys; replaces asparagine 846 with lysine.
Molecular consequence: missense variant.
Genome position (GRCh38, 1-based): chr5:38,933,042, T>A. VCF-style: chr5-38933042-T-A. GRCh37 (hg19) VCF-style: chr5-38933144-T-A.
Other names: c.2538T>A, p.Asn846Lys (NM_001323505.2); c.2541T>A, p.Asn847Lys (NM_001323506.2); short protein forms N847K, N846K.
Identifiers: ClinVar variation 763975 (VCV000763975.6), dbSNP rs771864692, ClinGen allele CA3244402.

ClinVar aggregate classification (germline): Conflicting classifications of pathogenicity. Review status: criteria provided, conflicting classifications (1 of 4 stars). 3 submissions from 3 submitters: Uncertain significance (1); Likely benign (1). 1 of the submissions does not count toward it. Last evaluated 2021-12-17.

Conditions:
Inborn genetic diseases. Identifiers: MedGen C0950123, MeSH D030342.

Allele frequency attached by ClinVar (database versions not stated): TOPMed 0.00002; gnomAD 0.00003; ExAC 0.00005; gnomAD exomes 0.00006.
gnomAD v4.1: 23 of 1,614,046 alleles (0.0014%); highest among the groups gnomAD compares: East Asian, 0.047%; no homozygotes.

Submissions (3):

Ambry Genetics
Classification: Uncertain significance for Inborn genetic diseases. Last evaluated: 2021-12-17. Review status: criteria provided, single submitter. Criteria: Ambry Variant Classification Scheme 2023. Collection method: clinical testing. Allele origin: germline.

Labcorp Genetics (formerly Invitae), Labcorp
Classification: Likely benign. Last evaluated: 2018-07-31. Review status: criteria provided, single submitter. Criteria: Invitae Variant Classification Sherloc (09022015). Collection method: clinical testing. Allele origin: germline.

Department of Pathology and Laboratory Medicine, Sinai Health System
Classification: Uncertain significance. Review status: no assertion criteria provided. Collection method: clinical testing. Allele origin: unknown. Affected: yes. Study: The Canadian Open Genetics Repository (COGR). Not counted in ClinVar's aggregate classification.
Comment: The OSMR p.Asn846Lys variant was not identified in the literature nor was it identified in ClinVar, Cosmic or LOVD 3.0. The variant was identified in dbSNP (ID: rs771864692) and in control databases in 17 of 282782 chromosomes at a frequency of 0.00006 (Genome Aggregation Database Feb 27, 2017). The variant was observed in the East Asian population in 17 of 19948 chromosomes (freq: 0.000852), but not in the African, Latino, Ashkenazi Jewish, European (Finnish), European (non-Finnish), Other, and South Asian populations. The p.Asn846 residue is not conserved in mammals and computational analyses (PolyPhen-2, SIFT, AlignGVGD, BLOSUM, MutationTaster) do not suggest a high likelihood of impact to the protein; however, this information is not predictive enough to rule out pathogenicity. The variant occurs outside of the splicing consensus sequence and in silico or computational prediction software programs (SpliceSiteFinder, MaxEntScan, NNSPLICE, GeneSplicer) do not predict a difference in splicing. In summary, based on the above information the clinical significance of this variant cannot be determined with certainty at this time. This variant is classified as a variant of uncertain significance.